The following is an entry in ClinVar:

NM_000501.4(ELN):c.1373C>A (p.Ala458Glu)

Gene: ELN (elastin; plus strand). Cytogenetic location: 7q11.23.
Variant type: single nucleotide variant.
Coding change: c.1373C>A on transcript NM_000501.4 (MANE Select); coding-DNA position 1373, C replaced by A.
Protein change: p.Ala458Glu; replaces alanine 458 with glutamic acid.
Molecular consequence: missense variant. On other transcripts: intron variant (7).
Genome position (GRCh38, 1-based): chr7:74,057,655, C>A. VCF-style: chr7-74057655-C-A. GRCh37 (hg19) VCF-style: chr7-73471985-C-A.
Other names: c.1388C>A, p.Ala463Glu (NM_001081754.3); c.1373C>A, p.Ala458Glu (NM_001278912.2, NM_001278915.2); c.1373C>A (NM_000501.2, NM_000501.3); c.1343C>A, p.Ala448Glu (NM_001278917.2); c.1460C>A, p.Ala487Glu (NM_001278939.2); c.1372+942C>A (NM_001081753.3); c.1357+942C>A (NM_001081755.3); c.1315+942C>A (NM_001278916.2); and 4 more; short protein forms A448E, A487E, A458E, A463E.
Identifiers: ClinVar variation 1416484 (VCV001416484.13), dbSNP rs149117932, ClinGen allele CA4293011.

ClinVar aggregate classification (germline): Uncertain significance. Review status: criteria provided, multiple submitters, no conflicts (2 of 4 stars). 6 submissions from 6 submitters: Uncertain significance (5). 1 of the submissions does not count toward it. Last evaluated 2025-12-17.

Conditions:
ELN-related disorder.
Cutis laxa, autosomal dominant 1 (ADCL1). Also called: ELN-Related Cutis Laxa. Identifiers: Orphanet 90348, MedGen C3276539, MONDO:0007411, OMIM 123700. Disease mechanism: Dominant Negative.
Williams syndrome (WBS). Also called: CHROMOSOME 7q11.23 DELETION SYNDROME, 1.5- TO 1.8-MB; WILLIAMS-BEUREN SYNDROME. Identifiers: Orphanet 904, MedGen C0175702, MONDO:0008678, OMIM 194050. Disease mechanism: loss of function.
Supravalvar aortic stenosis (SVAS). Also called: Supravalvar aortic stenosis, Eisenberg type. Identifiers: Orphanet 3193, MedGen C0003499, MONDO:0008504, OMIM 185500, HP:0004381.
Inborn genetic diseases. Identifiers: MedGen C0950123, MeSH D030342.

Allele frequency attached by ClinVar (database versions not stated): ExAC 0.00003; TOPMed 0.00012; gnomAD 0.00019 and 0.00021; ESP Exome Variant Server 0.00023.
gnomAD v4.1: 52 of 1,613,808 alleles (0.0032%); highest among the groups gnomAD compares: African/African-American, 0.064%; no homozygotes.

Submissions (6):

Labcorp Genetics (formerly Invitae), Labcorp
Classification: Uncertain significance for Supravalvar aortic stenosis. Last evaluated: 2025-12-17. Review status: criteria provided, single submitter. Criteria: Invitae Variant Classification Sherloc (09022015). Collection method: clinical testing. Allele origin: germline.
Comment: This sequence change replaces alanine, which is neutral and non-polar, with glutamic acid, which is acidic and polar, at codon 487 of the ELN protein (p.Ala487Glu). This variant is present in population databases (rs149117932, gnomAD 0.07%), and has an allele count higher than expected for a pathogenic variant. This variant has not been reported in the literature in individuals affected with ELN-related conditions. ClinVar contains an entry for this variant (Variation ID: 1416484). Invitae Evidence Modeling of protein sequence and biophysical properties (such as structural, functional, and spatial information, amino acid conservation, physicochemical variation, residue mobility, and thermodynamic stability) indicates that this missense variant is not expected to disrupt ELN protein function with a negative predictive value of 80%. In summary, the available evidence is currently insufficient to determine the role of this variant in disease. Therefore, it has been classified as a Variant of Uncertain Significance.

Ambry Genetics
Classification: Uncertain significance for Inborn genetic diseases. Last evaluated: 2024-08-26. Review status: criteria provided, single submitter. Criteria: Ambry Variant Classification Scheme 2023. Collection method: clinical testing. Allele origin: germline.

GeneDx
Classification: Uncertain significance. Last evaluated: 2022-09-06. Review status: criteria provided, single submitter. Criteria: GeneDx Variant Classification Process June 2021. Collection method: clinical testing. Allele origin: germline. Affected: yes.
Comment: Has not been previously published as pathogenic or benign to our knowledge; In silico analysis supports that this missense variant does not alter protein structure/function

Fulgent Genetics
Classification: Uncertain significance for Cutis laxa, autosomal dominant 1; Supravalvar aortic stenosis; Williams syndrome. Last evaluated: 2022-04-01. Review status: criteria provided, single submitter. Criteria: ACMG Guidelines, 2015. Collection method: clinical testing. Allele origin: unknown.

Breakthrough Genomics
Classification: Uncertain significance. Review status: criteria provided, single submitter. Criteria: ACMG Guidelines, 2015. Collection method: not provided. Allele origin: germline. Inheritance: Autosomal dominant inheritance. Affected: yes.

PreventionGenetics, part of Exact Sciences
Classification: Likely benign for ELN-related condition. Last evaluated: 2022-08-06. Review status: no assertion criteria provided. Collection method: clinical testing. Allele origin: germline. Not counted in ClinVar's aggregate classification.
Comment: This variant is classified as likely benign based on ACMG/AMP sequence variant interpretation guidelines (Richards et al. 2015 PMID: 25741868, with internal and published modifications).